The following is an entry in ClinVar:

ClinVar aggregate classification (germline): Pathogenic. Review status: criteria provided, multiple submitters, no conflicts (2 of 4 stars). 4 submissions from 4 submitters: Pathogenic (2). 2 of the submissions do not count toward it. Last evaluated 2026-08-01.

Conditions:
Blepharophimosis - intellectual disability syndrome, MKB type. Also called: X-Linked Ohdo Syndrome (XLOS); BLEPHAROPHIMOSIS-MENTAL RETARDATION SYNDROME, MAAT-KIEVIT-BRUNNER TYPE; Ohdo syndrome, X-linked. Identifiers: Orphanet 293707, MedGen C3698541, MONDO:0010477, OMIM 300895.
FG syndrome (FGS). Identifiers: MedGen C0220769, MONDO:0002010.
FG syndrome 1 (OKS). Also called: MENTAL RETARDATION, LARGE HEAD, IMPERFORATE ANUS, CONGENITAL HYPOTONIA, AND PARTIAL AGENESIS OF CORPUS CALLOSUM; FG Syndrome Type 1 (FGS1); OPITZ-KAVEGGIA SYNDROME; KELLER SYNDROME. Identifiers: Orphanet 93932, MedGen C5399762, MONDO:0010590, OMIM 305450.

Submissions (4):

GeneDx
Classification: Pathogenic. Last evaluated: 2026-08-01. Review status: criteria provided, single submitter. Criteria: GeneDx Variant Classification Process June 2021. Collection method: clinical testing. Allele origin: germline.
Comment: Not observed at significant frequency in large population cohorts (gnomAD); In silico analysis supports that this missense variant has a deleterious effect on protein structure/function; This variant is associated with the following publications: (PMID: 33057194, 35982159, 34079076, 27203213, 39215511)

Labcorp Genetics (formerly Invitae), Labcorp
Classification: Pathogenic for FG syndrome. Last evaluated: 2024-08-11. Review status: criteria provided, single submitter. Criteria: Invitae Variant Classification Sherloc (09022015). Collection method: clinical testing. Allele origin: germline.
Comment: This sequence change replaces arginine, which is basic and polar, with histidine, which is basic and polar, at codon 516 of the MED12 protein (p.Arg516His). This variant is not present in population databases (gnomAD no frequency). This missense change has been observed in individual(s) with MED12-related condition (PMID: 33057194, 34079076, 35982159). In at least one individual the variant was observed to be de novo. ClinVar contains an entry for this variant (Variation ID: 452540). Advanced modeling of protein sequence and biophysical properties (such as structural, functional, and spatial information, amino acid conservation, physicochemical variation, residue mobility, and thermodynamic stability) performed at Invitae indicates that this missense variant is expected to disrupt MED12 protein function with a positive predictive value of 95%. For these reasons, this variant has been classified as Pathogenic.

Solve-RD Consortium
Classification: Likely pathogenic for Blepharophimosis - intellectual disability syndrome, MKB type. Last evaluated: 2022-06-01. Review status: no assertion criteria provided. Collection method: provider interpretation. Allele origin: inherited. Affected: yes. Not counted in ClinVar's aggregate classification.
Comment: Variant confirmed as disease-causing by referring clinical team

Variant identified during reanalysis of unsolved cases by the Solve-RD project. The Solve-RD project has received funding from the European Union’s Horizon 2020 research and innovation programme under grant agreement No 779257.

GeneReviews
No classification provided. Condition: FG syndrome. Review status: no classification provided. Collection method: literature only. Allele origin: germline. Not counted in ClinVar's aggregate classification.

Literature cited by the submitters: PubMed 33057194 (cited by Labcorp Genetics (formerly Invitae), Labcorp); PubMed 34079076 (cited by Labcorp Genetics (formerly Invitae), Labcorp and GeneReviews); PubMed 35982159 (cited by Labcorp Genetics (formerly Invitae), Labcorp); PubMed 39825153 (cited by Solve-RD Consortium); PubMed 20301719 (cited by GeneReviews).

NM_005120.3(MED12):c.1547G>A (p.Arg516His)

Genes: MED12 (mediator complex subunit 12; plus strand), LOC126863275 (BRD4-independent group 4 enhancer GRCh37_chrX:70342400-70343599; plus strand). Cytogenetic location: Xq13.1.
Variant type: single nucleotide variant.
Coding change: c.1547G>A on transcript NM_005120.3 (MANE Select); coding-DNA position 1547, G replaced by A.
Protein change: p.Arg516His; replaces arginine 516 with histidine.
Molecular consequence: missense variant.
Genome position (GRCh38, 1-based): chrX:71,123,156, G>A. VCF-style: chrX-71123156-G-A. GRCh37 (hg19) VCF-style: chrX-70343006-G-A.
Other names: short protein forms R516H.
Identifiers: ClinVar variation 452540 (VCV000452540.8), dbSNP rs1556334969, ClinGen allele CA413507386.